The following is an entry in ClinVar:

NM_001379451.1(BCORL1):c.1623C>G (p.Pro541=)

Gene: BCORL1 (BCL6 corepressor like 1; plus strand). Cytogenetic location: Xq26.1.
Variant type: single nucleotide variant.
Coding change: c.1623C>G on transcript NM_001379451.1 (MANE Select); coding-DNA position 1623, C replaced by G.
Protein change: p.Pro541=; no amino-acid change (proline 541 retained).
Molecular consequence: synonymous variant.
Genome position (GRCh38, 1-based): chrX:130,014,395, C>G. VCF-style: chrX-130014395-C-G. GRCh37 (hg19) VCF-style: chrX-129148371-C-G.
Other names: c.1623C>G, p.Pro541= (NM_001184772.3, NM_001379450.1, NM_021946.5).
Identifiers: ClinVar variation 3388857 (VCV003388857.14).

ClinVar aggregate classification (germline): Likely benign (1 of 4 stars; one submission).

Submission:

CeGaT Center for Human Genetics Tuebingen
Classification: Likely benign. Last evaluated: 2024-11-01. Review status: criteria provided, single submitter. Criteria: CeGaT Center For Human Genetics Tuebingen Variant Classification Criteria Version 2. Collection method: clinical testing. Allele origin: germline. Affected: yes. Observed: 1 variant allele.
Comment: BCORL1: PM2:Supporting, BP4, BP7